The following is an entry in ClinVar:

ClinVar aggregate classification (germline): Uncertain significance (1 of 4 stars; one submission).

Conditions:
Alzheimer disease 3 (AD3). Also called: ALZHEIMER DISEASE, FAMILIAL, 3. Identifiers: Orphanet 1020, MedGen C1843013, MONDO:0011913, OMIM 607822.
Pick disease. Also called: LOBAR ATROPHY OF BRAIN; Pick's disease; PICK DISEASE OF BRAIN; Pick Disease of the Brain; DEMENTIA WITH LOBAR ATROPHY AND NEURONAL CYTOPLASMIC INCLUSIONS. Identifiers: Orphanet 282, MedGen C0236642, MONDO:0008243, OMIM 172700.
Frontotemporal dementia (FTD1). Also called: MULTIPLE SYSTEM TAUOPATHY WITH PRESENILE DEMENTIA; WILHELMSEN-LYNCH DISEASE; Frontotemporal lobe dementia (FLDEM); FRONTOTEMPORAL DEMENTIA WITH PARKINSONISM; FRONTOTEMPORAL LOBE DEMENTIA; Dementia, frontotemporal, with or without parkinsonism. Identifiers: Orphanet 282, MedGen C0338451, MONDO:0017276, OMIM 600274, HP:0002145.
Acne inversa, familial, 3 (ACNINV3). Identifiers: MedGen C3151038, MONDO:0013398, OMIM 613737.

Allele frequency attached by ClinVar (database versions not stated): gnomAD exomes below 0.00001; gnomAD 0.00001; TOPMed 0.00001.
gnomAD v4.1: 4 of 1,613,908 alleles (0.00025%); highest among the groups gnomAD compares: Non-Finnish European, 0.00034%; no homozygotes.

Submission:

Labcorp Genetics (formerly Invitae), Labcorp
Classification: Uncertain significance for Alzheimer disease 3; Pick disease; Acne inversa, familial, 3; Frontotemporal dementia. Last evaluated: 2024-12-03. Review status: criteria provided, single submitter. Criteria: Invitae Variant Classification Sherloc (09022015). Collection method: clinical testing. Allele origin: germline.
Comment: This sequence change replaces valine, which is neutral and non-polar, with leucine, which is neutral and non-polar, at codon 198 of the PSEN1 protein (p.Val198Leu). This variant is present in population databases (rs201375628, gnomAD 0.002%). This variant has not been reported in the literature in individuals affected with PSEN1-related conditions. ClinVar contains an entry for this variant (Variation ID: 2926113). Invitae Evidence Modeling of protein sequence and biophysical properties (such as structural, functional, and spatial information, amino acid conservation, physicochemical variation, residue mobility, and thermodynamic stability) indicates that this missense variant is not expected to disrupt PSEN1 protein function with a negative predictive value of 95%. In summary, the available evidence is currently insufficient to determine the role of this variant in disease. Therefore, it has been classified as a Variant of Uncertain Significance.

NM_000021.4(PSEN1):c.592G>C (p.Val198Leu)

Gene: PSEN1 (presenilin 1; plus strand). Cytogenetic location: 14q24.2.
Variant type: single nucleotide variant.
Coding change: c.592G>C on transcript NM_000021.4 (MANE Select); coding-DNA position 592, G replaced by C.
Protein change: p.Val198Leu; replaces valine 198 with leucine.
Molecular consequence: missense variant.
Genome position (GRCh38, 1-based): chr14:73,192,687, G>C. VCF-style: chr14-73192687-G-C. GRCh37 (hg19) VCF-style: chr14-73659395-G-C.
Other names: c.580G>C, p.Val194Leu (NM_007318.3); short protein forms V194L, V198L.
Identifiers: ClinVar variation 2926113 (VCV002926113.3), dbSNP rs201375628, ClinGen allele CA262609317.